The following is an entry in ClinVar:

NM_001283009.2(RTEL1):c.3807G>C (p.Trp1269Cys)

Genes: RTEL1 (regulator of telomere elongation helicase 1; plus strand), RTEL1-TNFRSF6B (RTEL1-TNFRSF6B readthrough (NMD candidate); plus strand). Cytogenetic location: 20q13.33.
Variant type: single nucleotide variant.
Coding change: c.3807G>C on transcript NM_001283009.2 (MANE Select); coding-DNA position 3807, G replaced by C.
Protein change: p.Trp1269Cys; replaces tryptophan 1269 with cysteine.
Molecular consequence: missense variant. On other transcripts: non-coding transcript variant (1), intron variant (3).
Genome position (GRCh38, 1-based): chr20:63,695,635, G>C. VCF-style: chr20-63695635-G-C. GRCh37 (hg19) VCF-style: chr20-62326988-G-C.
Other names: c.2984-143G>C (NM_001283010.1); c.3725-143G>C (NM_032957.5); c.3653-143G>C (NM_016434.4); short protein forms W1269C.
Identifiers: ClinVar variation 1320086 (VCV001320086.1), dbSNP rs2145481109, ClinGen allele CA409710349.
Genomic context (GRCh38, chr20:63,695,635, plus strand): 5'-AGAGGACGTGGTGCCCTTCCAGTGCCCTGCCTGTGACTTCCAGCGCTGCCAAGCCTGCTG[G>C]CAACGGCACCTTCAGGTTGGTGCCTGGCCACTACAGTTCCTGCTGGGTGTAGCCCCAGGT-3'
Protein context (NP_001269938.1, residues 1259-1279): ACDFQRCQAC[Trp1269Cys]QRHLQASRMC

ClinVar aggregate classification (germline): Uncertain significance (1 of 4 stars; one submission).

Conditions:
Dyskeratosis congenita, autosomal recessive 5 (DKCB5). Identifiers: MedGen C3554656, MONDO:0014076, OMIM 615190.

Submission:

3billion
Classification: Uncertain significance for Dyskeratosis congenita, autosomal recessive 5. Last evaluated: 2021-10-02. Review status: criteria provided, single submitter. Criteria: ACMG Guidelines, 2015. Collection method: clinical testing. Allele origin: maternal. Affected: yes. Observed: 1 heterozygote.
Comment: It is not observed in the gnomAD v2.1.1 dataset (PM2). The variant is in trans with the other variant (NM_032957.4: c.2213+5G>A, 3billion dataset, PM3_P). Patient's phenotype is considered compatible with Dyskeratosis congenita, autosomal recessive 5 (3billion dataset, PP4). Therefore, this variant is classified as uncertain significance according to the recommendation of ACMG/AMP guideline.